The following is an entry in ClinVar:

ClinVar aggregate classification (germline): Uncertain significance (1 of 4 stars; one submission).

Submission:

Ambry Genetics
Classification: Uncertain significance. Last evaluated: 2022-04-19. Review status: criteria provided, single submitter. Criteria: Ambry Variant Classification Scheme 2023. Collection method: clinical testing. Allele origin: germline.
Comment: The p.P323A variant (also known as c.967C>G), located in coding exon 6 of the BUB3 gene, results from a C to G substitution at nucleotide position 967. The proline at codon 323 is replaced by alanine, an amino acid with highly similar properties. This amino acid position is conserved. In addition, the in silico prediction for this alteration is inconclusive. Since supporting evidence is limited at this time, the clinical significance of this alteration remains unclear.

NM_004725.4(BUB3):c.967C>G (p.Pro323Ala)

Gene: BUB3 (BUB3 mitotic checkpoint protein; plus strand). Cytogenetic location: 10q26.13.
Variant type: single nucleotide variant.
Coding change: c.967C>G on transcript NM_004725.4 (MANE Select); coding-DNA position 967, C replaced by G.
Protein change: p.Pro323Ala; replaces proline 323 with alanine.
Molecular consequence: missense variant.
Genome position (GRCh38, 1-based): chr10:123,162,824, C>G. VCF-style: chr10-123162824-C-G. GRCh37 (hg19) VCF-style: chr10-124922340-C-G.
Other names: c.967C>G, p.Pro323Ala (NM_001007793.3); short protein forms P323A.
Identifiers: ClinVar variation 1767762 (VCV001767762.3), dbSNP rs2493767398, ClinGen allele CA378627316.
Genomic context (GRCh38, chr10:123,162,824, plus strand): 5'-GACACAGAACATCCTGAAGATGGTATCTTCATTCGCCAAGTGACAGATGCAGAAACAAAA[C>G]CCAAGTGAGTATGCTTCACCTGTATTTGAGCCTTTTCTTGCATTCAACCCAGGATTTATT-3'
Protein context (NP_004716.1, residues 313-328): IRQVTDAETK[Pro323Ala]KSPCT